The following is an entry in ClinVar:

NM_001039591.3(USP9X):c.3609G>C (p.Gln1203His)

Gene: USP9X (ubiquitin specific peptidase 9 X-linked; plus strand). Cytogenetic location: Xp11.4.
Variant type: single nucleotide variant.
Coding change: c.3609G>C on transcript NM_001039591.3 (MANE Select); coding-DNA position 3609, G replaced by C.
Protein change: p.Gln1203His; replaces glutamine 1203 with histidine.
Molecular consequence: missense variant.
Genome position (GRCh38, 1-based): chrX:41,186,567, G>C. VCF-style: chrX-41186567-G-C. GRCh37 (hg19) VCF-style: chrX-41045820-G-C.
Other names: c.3609G>C, p.Gln1203His (NM_001039590.3); short protein forms Q1203H.
Identifiers: ClinVar variation 452590 (VCV000452590.6), dbSNP rs1168826312, ClinGen allele CA412766302.

ClinVar aggregate classification (germline): Uncertain significance. Review status: criteria provided, multiple submitters, no conflicts (2 of 4 stars). 2 submissions from 2 submitters: Uncertain significance (2). Last evaluated 2023-08-04.

Allele frequency attached by ClinVar (database versions not stated): TOPMed 0.00002.

Submissions (2):

Labcorp Genetics (formerly Invitae), Labcorp
Classification: Uncertain significance. Last evaluated: 2023-08-04. Review status: criteria provided, single submitter. Criteria: Invitae Variant Classification Sherloc (09022015). Collection method: clinical testing. Allele origin: germline.
Comment: In summary, the available evidence is currently insufficient to determine the role of this variant in disease. Therefore, it has been classified as a Variant of Uncertain Significance. An algorithm developed to predict the effect of missense changes on protein structure and function (PolyPhen-2) suggests that this variant is likely to be tolerated. ClinVar contains an entry for this variant (Variation ID: 452590). This variant has not been reported in the literature in individuals affected with USP9X-related conditions. This variant is not present in population databases (gnomAD no frequency). This sequence change replaces glutamine, which is neutral and polar, with histidine, which is basic and polar, at codon 1203 of the USP9X protein (p.Gln1203His).

GeneDx
Classification: Uncertain significance. Last evaluated: 2017-10-12. Review status: criteria provided, single submitter. Criteria: GeneDx Variant Classification (06012015). Collection method: clinical testing. Allele origin: germline. Affected: yes.
Comment: The Q1203H variant in the USP9X gene has not been reported previously as a pathogenic variant, nor as a benign variant, to our knowledge. The Q1203H variant is not observed in large population cohorts (Lek et al., 2016). The Q1203H variant is a semi-conservative amino acid substitution, which may impact secondary protein structure as these residues differ in some properties. This substitution occurs at a position that is conserved across species. In silico analysis is inconsistent in its predictions as to whether or not the variant is damaging to the protein structure/function. We interpret Q1203H as a variant of uncertain significance